The following is an entry in ClinVar:

ClinVar aggregate classification (germline): Likely benign. Review status: criteria provided, single submitter (1 of 4 stars). 2 submissions from 2 submitters: Likely benign (1). 1 of the submissions does not count toward it. Last evaluated 2024-10-29.

Conditions:
TENM4-related disorder. Also called: TENM4-related condition.

gnomAD v4.1: 830 of 1,613,780 alleles (0.051%); highest among the groups gnomAD compares: Non-Finnish European, 0.061%; 1 homozygote.

Submissions (2):

Blueprint Genetics
Classification: Likely benign. Last evaluated: 2024-10-29. Review status: criteria provided, single submitter. Criteria: ACMG Guidelines, 2015. Collection method: clinical testing. Allele origin: germline.

PreventionGenetics, part of Exact Sciences
Classification: Likely benign for TENM4-related condition. Last evaluated: 2024-08-26. Review status: no assertion criteria provided. Collection method: clinical testing. Allele origin: germline. Not counted in ClinVar's aggregate classification.
Comment: This variant is classified as likely benign based on ACMG/AMP sequence variant interpretation guidelines (Richards et al. 2015 PMID: 25741868, with internal and published modifications).

NM_001098816.3(TENM4):c.5662T>A (p.Ser1888Thr)

Gene: TENM4 (teneurin transmembrane protein 4; minus strand). Cytogenetic location: 11q14.1.
Variant type: single nucleotide variant.
Coding change: c.5662T>A on transcript NM_001098816.3 (MANE Select); coding-DNA position 5662, T replaced by A.
Protein change: p.Ser1888Thr; replaces serine 1888 with threonine.
Molecular consequence: missense variant.
Genome position (GRCh38, 1-based): chr11:78,672,164, A>T on the plus strand (T>A on the coding strand, the complement: TENM4 is on the minus strand). VCF-style: chr11-78672164-A-T. GRCh37 (hg19) VCF-style: chr11-78383209-A-T.
Other names: short protein forms S1888T.
Identifiers: ClinVar variation 3358196 (VCV003358196.2).